The following is an entry in ClinVar:

ClinVar aggregate classification (germline): Pathogenic (1 of 4 stars; one submission).

Conditions:
Hereditary cancer-predisposing syndrome. Also called: Neoplastic Syndromes, Hereditary; Tumor predisposition; Hereditary Cancer Syndrome; Hereditary neoplastic syndrome. Identifiers: Orphanet 140162, MedGen C0027672, MeSH D009386, MONDO:0015356.

Submission:

Ambry Genetics
Classification: Pathogenic for Hereditary cancer-predisposing syndrome. Last evaluated: 2014-01-30. Review status: criteria provided, single submitter. Criteria: Ambry Autosomal Dominant and X-Linked criteria (10/2015). Collection method: clinical testing. Allele origin: germline. Observed: 1 variant allele.
Comment: Ã¢â‚¬â€¹The c.2622_2623insA pathogenic mutation, located in coding exon 21 of the NF1 gene, results from the insertion of an A nucleotide at 2622,2623 causing a translational frameshift with a predicted alternate stop codon. Since frameshifts are typically deleterious in nature, this alteration is interpreted as a disease-causing mutation (ACMG Recommendations for Standards for Interpretation and Reporting of Sequence Variations. Revision 2007. Genet Med. 2008;10:294).

NM_001042492.3(NF1):c.2622_2623insA (p.Gly875fs)

Gene: NF1 (neurofibromin 1; plus strand). Cytogenetic location: 17q11.2.
Variant type: Insertion.
Coding change: c.2622_2623insA on transcript NM_001042492.3 (MANE Select); coding-DNA positions 2622 to 2623, A inserted.
Protein change: p.Gly875fs; shifts the reading frame from glycine 875.
Molecular consequence: frameshift variant.
Genome position: GRCh38 VCF-style: chr17-31229237-G-GA. GRCh37 (hg19) VCF-style: chr17-29556255-G-GA.
Other names: c.2622_2623insA, p.Gly875Argfs (NM_000267.4); short protein forms G875fs.
Identifiers: ClinVar variation 141682 (VCV000141682.3), dbSNP rs587781933, ClinGen allele CA166117.
Genomic context (GRCh38, chr17:31,229,237, plus strand): 5'-GAGAAGCAATTCTGGCCTGGCAACCTATAGCCCACCCATGGGTCCAGTCAGTGAACGTAA[G>GA]GGTTCTATGATTTCAGTGATGTCTTCAGAGGGAAACGCAGATACACCTGTCAGCAAATTT-3'